The following is an entry in ClinVar:

ClinVar aggregate classification (germline): Uncertain significance (1 of 4 stars; one submission).

Allele frequency attached by ClinVar (database versions not stated): TOPMed below 0.00001; gnomAD 0.00001.

Submission:

Labcorp Genetics (formerly Invitae), Labcorp
Classification: Uncertain significance. Last evaluated: 2021-08-07. Review status: criteria provided, single submitter. Criteria: Invitae Variant Classification Sherloc (09022015). Collection method: clinical testing. Allele origin: germline.
Comment: This sequence change replaces glycine with aspartic acid at codon 1716 of the SBF1 protein (p.Gly1716Asp). The glycine residue is weakly conserved and there is a moderate physicochemical difference between glycine and aspartic acid. This variant is not present in population databases (ExAC no frequency). This variant has not been reported in the literature in individuals affected with SBF1-related conditions. Algorithms developed to predict the effect of missense changes on protein structure and function (SIFT, PolyPhen-2, Align-GVGD) all suggest that this variant is likely to be tolerated. In summary, the available evidence is currently insufficient to determine the role of this variant in disease. Therefore, it has been classified as a Variant of Uncertain Significance.

NM_002972.4(SBF1):c.5147G>A (p.Gly1716Asp)

Gene: SBF1 (SET binding factor 1; minus strand). Cytogenetic location: 22q13.33.
Variant type: single nucleotide variant.
Coding change: c.5147G>A on transcript NM_002972.4 (MANE Select); coding-DNA position 5147, G replaced by A.
Protein change: p.Gly1716Asp; replaces glycine 1716 with aspartic acid.
Molecular consequence: missense variant.
Genome position (GRCh38, 1-based): chr22:50,448,547, C>T on the plus strand (G>A on the coding strand, the complement: SBF1 is on the minus strand). VCF-style: chr22-50448547-C-T. GRCh37 (hg19) VCF-style: chr22-50886976-C-T.
Other names: c.5072G>A, p.Gly1691Asp (NM_001365819.1); short protein forms G1691D, G1716D.
Identifiers: ClinVar variation 1386477 (VCV001386477.3), dbSNP rs2066923798, ClinGen allele CA412187610.